The following is an entry in ClinVar:

NM_004461.3(FARSA):c.613C>T (p.Arg205Trp)

Gene: FARSA (phenylalanyl-tRNA synthetase subunit alpha; minus strand). Cytogenetic location: 19p13.13.
Variant type: single nucleotide variant.
Coding change: c.613C>T on transcript NM_004461.3 (MANE Select); coding-DNA position 613, C replaced by T.
Protein change: p.Arg205Trp; replaces arginine 205 with tryptophan.
Molecular consequence: missense variant.
Genome position (GRCh38, 1-based): chr19:12,928,647, G>A on the plus strand (C>T on the coding strand, the complement: FARSA is on the minus strand). VCF-style: chr19-12928647-G-A. GRCh37 (hg19) VCF-style: chr19-13039461-G-A.
Other names: short protein forms R205W.
Identifiers: ClinVar variation 3039366 (VCV003039366.15), dbSNP rs142272380, ClinGen allele CA9235336.

ClinVar aggregate classification (germline): Likely benign. Review status: criteria provided, single submitter (1 of 4 stars). 2 submissions from 2 submitters: Likely benign (1). 1 of the submissions does not count toward it. Last evaluated 2024-12-01.

Conditions:
FARSA-related disorder. Also called: FARSA-related condition.

Allele frequency attached by ClinVar (database versions not stated): gnomAD exomes 0.00013; ExAC 0.00037; gnomAD 0.00105; TOPMed 0.00111; 1000 Genomes Project 30x 0.00125; ESP Exome Variant Server 0.00131; 1000 Genomes Project 0.00140.
gnomAD v4.1: 365 of 1,611,088 alleles (0.023%); highest among the groups gnomAD compares: African/African-American, 0.4%; no homozygotes.

Submissions (2):

CeGaT Center for Human Genetics Tuebingen
Classification: Likely benign. Last evaluated: 2024-12-01. Review status: criteria provided, single submitter. Criteria: CeGaT Center For Human Genetics Tuebingen Variant Classification Criteria Version 2. Collection method: clinical testing. Allele origin: germline. Affected: yes. Observed: 1 variant allele.
Comment: FARSA: BP4

PreventionGenetics, part of Exact Sciences
Classification: Likely benign for FARSA-related condition. Last evaluated: 2019-05-20. Review status: no assertion criteria provided. Collection method: clinical testing. Allele origin: germline. Not counted in ClinVar's aggregate classification.
Comment: This variant is classified as likely benign based on ACMG/AMP sequence variant interpretation guidelines (Richards et al. 2015 PMID: 25741868, with internal and published modifications).